The following is an entry in ClinVar:

NM_000182.5(HADHA):c.808G>A (p.Ala270Thr)

Gene: HADHA (hydroxyacyl-CoA dehydrogenase trifunctional multienzyme complex subunit alpha; minus strand). Cytogenetic location: 2p23.3.
Variant type: single nucleotide variant.
Coding change: c.808G>A on transcript NM_000182.5 (MANE Select); coding-DNA position 808, G replaced by A.
Protein change: p.Ala270Thr; replaces alanine 270 with threonine.
Molecular consequence: missense variant.
Genome position (GRCh38, 1-based): chr2:26,214,553, C>T on the plus strand (G>A on the coding strand, the complement: HADHA is on the minus strand). VCF-style: chr2-26214553-C-T. GRCh37 (hg19) VCF-style: chr2-26437422-C-T.
Other names: short protein forms A270T.
Identifiers: ClinVar variation 665682 (VCV000665682.9), dbSNP rs1574615066, ClinGen allele CA346091415.

ClinVar aggregate classification (germline): Uncertain significance (1 of 4 stars; one submission).

Conditions:
Mitochondrial trifunctional protein deficiency. Identifiers: Orphanet 746, MedGen C1969443, MONDO:0012172.
Long chain 3-hydroxyacyl-CoA dehydrogenase deficiency. Also called: Deficiency of long-chain 3-hydroxyacyl-coenzyme A dehydrogenase; LCHAD Deficiency. Identifiers: Orphanet 5, MedGen C3711645, MONDO:0012173, OMIM 609016.

Submission:

Labcorp Genetics (formerly Invitae), Labcorp
Classification: Uncertain significance for Mitochondrial trifunctional protein deficiency; Long chain 3-hydroxyacyl-CoA dehydrogenase deficiency. Last evaluated: 2018-12-20. Review status: criteria provided, single submitter. Criteria: Invitae Variant Classification Sherloc (09022015). Collection method: clinical testing. Allele origin: germline.
Comment: This sequence change replaces alanine with threonine at codon 270 of the HADHA protein (p.Ala270Thr). The alanine residue is weakly conserved and there is a small physicochemical difference between alanine and threonine. This variant is not present in population databases (ExAC no frequency). This variant has not been reported in the literature in individuals with HADHA-related conditions. Algorithms developed to predict the effect of missense changes on protein structure and function output the following: SIFT: "Tolerated"; PolyPhen-2: "Benign"; Align-GVGD: "Class C0". The threonine amino acid residue is found in multiple mammalian species, suggesting that this missense change does not adversely affect protein function. These predictions have not been confirmed by published functional studies and their clinical significance is uncertain. In summary, the available evidence is currently insufficient to determine the role of this variant in disease. Therefore, it has been classified as a Variant of Uncertain Significance.